The following is an entry in ClinVar:

NM_001020658.2(PUM1):c.1826C>T (p.Ala609Val)

Gene: PUM1 (pumilio RNA binding family member 1; minus strand). Cytogenetic location: 1p35.2.
Variant type: single nucleotide variant.
Coding change: c.1826C>T on transcript NM_001020658.2 (MANE Select); coding-DNA position 1826, C replaced by T.
Protein change: p.Ala609Val; replaces alanine 609 with valine.
Molecular consequence: missense variant.
Genome position (GRCh38, 1-based): chr1:30,966,242, G>A on the plus strand (C>T on the coding strand, the complement: PUM1 is on the minus strand). VCF-style: chr1-30966242-G-A. GRCh37 (hg19) VCF-style: chr1-31439089-G-A.
Other names: c.1826C>T, p.Ala609Val (NM_014676.3); short protein forms A609V.
Identifiers: ClinVar variation 2575648 (VCV002575648.1), dbSNP rs2521564633, ClinGen allele CA339566516.
Genomic context (GRCh38, chr1:30,966,242, plus strand): 5'-TGAGGCTGCTGTGTTCCTAAAGGGCGAAATGGTCCATTTGTTGTTCCAGCAAGACCACCA[G>A]CTGCTCCATTTGCTGAAGCTGCGGCTGCTGCAACAGCTATGAAGAAGAAAGCAAACCGTT-3'
Protein context (NP_001018494.1, residues 599-619): AAAAASANGA[Ala609Val]GGLAGTTNGP

ClinVar aggregate classification (germline): Uncertain significance (1 of 4 stars; one submission).

Submission:

GeneDx
Classification: Uncertain significance. Last evaluated: 2023-02-13. Review status: criteria provided, single submitter. Criteria: GeneDx Variant Classification Process June 2021. Collection method: clinical testing. Allele origin: germline. Affected: yes.
Comment: Not observed at significant frequency in large population cohorts (gnomAD); In silico analysis supports that this missense variant does not alter protein structure/function; Has not been previously published as pathogenic or benign to our knowledge